The following is an entry in ClinVar:

ClinVar aggregate classification (germline): Benign/Likely benign. Review status: criteria provided, multiple submitters, no conflicts (2 of 4 stars). 3 submissions from 3 submitters: Benign (2); Likely benign (1). Last evaluated 2026-08-01.

Conditions:
Developmental and epileptic encephalopathy, 1 (DEE1). Also called: OHTAHARA SYNDROME, X-LINKED; X-linked infantile spasms; West's syndrome; Tonic spasms with clustering, arrest of psychomotor development and hypsarrhythmia on EEG; X-Linked Infantile Spasm Syndrome; INFANTILE SPASM SYNDROME, X-LINKED 1. Identifiers: MedGen C3463992, MONDO:0010632, OMIM 308350. Disease mechanism: loss of function.
Intellectual disability, X-linked, with or without seizures, ARX-related. Also called: MENTAL RETARDATION, X-LINKED 29; MENTAL RETARDATION, X-LINKED 32; MENTAL RETARDATION, X-LINKED 33; MENTAL RETARDATION, X-LINKED 38; MENTAL RETARDATION, X-LINKED 43; MENTAL RETARDATION, X-LINKED 76. Identifiers: Orphanet 777, MedGen C0796244, MONDO:0010317, OMIM 300419.

Submissions (3):

CeGaT Center for Human Genetics Tuebingen
Classification: Likely benign. Last evaluated: 2026-08-01. Review status: criteria provided, single submitter. Criteria: CeGaT Center For Human Genetics Tuebingen Variant Classification Criteria Version 2. Collection method: clinical testing. Allele origin: germline. Affected: yes. Observed: 1 variant allele.
Comment: ARX: BS2

Labcorp Genetics (formerly Invitae), Labcorp
Classification: Benign for Developmental and epileptic encephalopathy, 1; Intellectual disability, X-linked, with or without seizures, ARX-related. Last evaluated: 2025-04-27. Review status: criteria provided, single submitter. Criteria: Invitae Variant Classification Sherloc (09022015). Collection method: clinical testing. Allele origin: germline.

GeneDx
Classification: Benign. Last evaluated: 2021-05-01. Review status: criteria provided, single submitter. Criteria: GeneDx Variant Classification Process June 2021. Collection method: clinical testing. Allele origin: germline. Affected: yes.

NM_139058.3(ARX):c.441_455del (p.Ala151_Ala155del)

Genes: ARX (aristaless related homeobox; minus strand), LOC109610631 (aristaless related homeobox polyalanine expansion region; plus strand). Cytogenetic location: Xp21.3.
Variant type: Deletion.
Coding change: c.441_455del on transcript NM_139058.3 (MANE Select); coding-DNA positions 441 to 455, 15 bases deleted (AGCCGCGGCCGCGGC).
Protein change: p.Ala151_Ala155del.
Molecular consequence: inframe deletion.
Genome position (GRCh38, 1-based): chrX:25,013,540-25,013,554, GCCGCGGCCGCGGCT deleted on the plus strand (AGCCGCGGCCGCGGC on the coding strand, the reverse complement: ARX is on the minus strand); deleting any 15 consecutive bases within chrX:25,013,540-25,013,562 gives the same sequence; the c. name uses the placement nearest the transcript's 3' end. VCF-style (leftmost placement, unchanged base first): chrX-25013539-GGCCGCGGCCGCGGCT-G. GRCh37 (hg19) VCF-style: chrX-25031656-GGCCGCGGCCGCGGCT-G.
Identifiers: ClinVar variation 1179761 (VCV001179761.11), dbSNP rs750585274, ClinGen allele CA10373899.
Genomic context (GRCh38, chrX:25,013,539, plus strand): 5'-GCTGCGGCTGATGCTCACCTGCGGCGCCTGGCTGATCTTGAGCGTGTCCCAGGCCGCGGC[GGCCGCGGCCGCGGCT>G]GCCGCGGCGGCCCCTGCGCCGTCCGGCCGTTCCCCGGGCCGCGCGGTTGGCGGTGGCGGC-3'